The following is an entry in ClinVar:

NM_001042492.3(NF1):c.7632del (p.Phe2544fs)

Gene: NF1 (neurofibromin 1; plus strand). Cytogenetic location: 17q11.2.
Variant type: Deletion.
Coding change: c.7632del on transcript NM_001042492.3 (MANE Select); coding-DNA position 7632, one base deleted (T; older notation c.7632delT).
Protein change: p.Phe2544fs; shifts the reading frame from phenylalanine 2544.
Molecular consequence: frameshift variant.
Genome position (GRCh38, 1-based): chr17:31,356,476, T deleted; the last of 4 consecutive T bases (chr17:31,356,473-31,356,476); deleting any one gives the same sequence. VCF-style (leftmost placement, unchanged base first): chr17-31356472-GT-G. GRCh37 (hg19) VCF-style: chr17-29683490-GT-G.
Other names: c.7569delT, p.Phe2523Leufs (NM_000267.4); c.7569delT (NM_000267.3); short protein forms F2544fs, F2523fs.
Identifiers: ClinVar variation 1428789 (VCV001428789.9), dbSNP rs2151581029, ClinGen allele CA2573153863.
Genomic context (GRCh38, chr17:31,356,472, plus strand): 5'-TAGACACTGTAGTTAATGAACTTGCATATTCTTAACTTTTGTTTATAGGAACAAGGAAAA[GT>G]TTTGATCACTTGATATCAGACACAAAGGCTCCTAAAAGGCAAGAAATGGAATCAGGGATC-3'

ClinVar aggregate classification (germline): Pathogenic. Review status: criteria provided, multiple submitters, no conflicts (2 of 4 stars). 2 submissions from 2 submitters: Pathogenic (2). Last evaluated 2026-06-08.

Conditions:
Hereditary cancer-predisposing syndrome. Also called: Tumor predisposition; Neoplastic Syndromes, Hereditary; Hereditary Cancer Syndrome; Hereditary neoplastic syndrome. Identifiers: Orphanet 140162, MedGen C0027672, MeSH D009386, MONDO:0015356.
Cardiovascular phenotype. Identifiers: MedGen CN230736.
Neurofibromatosis, type 1 (NF1). Also called: NEUROFIBROMATOSIS, TYPE I, SOMATIC; Peripheral type neurofibromatosis; VON RECKLINGHAUSEN DISEASE; Neurofibromatosis, type I. Identifiers: Orphanet 636, MedGen C0027831, MONDO:0018975, OMIM 162200. Disease mechanism: loss of function.

Submissions (2):

Ambry Genetics
Classification: Pathogenic for Cardiovascular phenotype; Hereditary cancer-predisposing syndrome. Last evaluated: 2026-06-08. Review status: criteria provided, single submitter. Criteria: Ambry Variant Classification Scheme 2023. Collection method: clinical testing. Allele origin: germline.
Comment: The c.7569delT pathogenic mutation, located in coding exon 51 of the NF1 gene, results from a deletion of one nucleotide at nucleotide position 7569, causing a translational frameshift with a predicted alternate stop codon (p.F2523Lfs*4). This variant was reported in individual(s) with features consistent with neurofibromatosis type 1 (NF1) (Fahsold R et al. Am J Hum Genet, 2000 Mar;66:790-818; Ambry internal data). This alteration is expected to result in loss of function by premature protein truncation or nonsense-mediated mRNA decay. As such, this alteration is interpreted as a disease-causing mutation.

Labcorp Genetics (formerly Invitae), Labcorp
Classification: Pathogenic for Neurofibromatosis, type 1. Last evaluated: 2023-08-11. Review status: criteria provided, single submitter. Criteria: Invitae Variant Classification Sherloc (09022015). Collection method: clinical testing. Allele origin: germline.
Comment: For these reasons, this variant has been classified as Pathogenic. This sequence change creates a premature translational stop signal (p.Phe2523Leufs*4) in the NF1 gene. It is expected to result in an absent or disrupted protein product. Loss-of-function variants in NF1 are known to be pathogenic (PMID: 10712197, 23913538). This variant is not present in population databases (gnomAD no frequency). This premature translational stop signal has been observed in individual(s) with neurofibromatosis type 1 (PMID: 10712197). ClinVar contains an entry for this variant (Variation ID: 1428789).

Literature cited by the submitters: PubMed 10712197 (cited by Ambry Genetics and Labcorp Genetics (formerly Invitae), Labcorp); PubMed 23913538 (cited by Labcorp Genetics (formerly Invitae), Labcorp).